The following is an entry in ClinVar:

NM_001360016.2(G6PD):c.1376del (p.Arg459fs)

Gene: G6PD (glucose-6-phosphate dehydrogenase; minus strand). Cytogenetic location: Xq28.
Variant type: Deletion.
Coding change: c.1376del on transcript NM_001360016.2 (MANE Select); coding-DNA position 1376, one base deleted (G; older notation c.1376delG).
Protein change: p.Arg459fs; shifts the reading frame from arginine 459.
Molecular consequence: frameshift variant.
Genome position (GRCh38, 1-based): chrX:154,532,269, C deleted on the plus strand (G on the coding strand, the reverse complement: G6PD is on the minus strand). VCF-style (leftmost placement, unchanged base first): chrX-154532268-AC-A. GRCh37 (hg19) VCF-style: chrX-153760483-AC-A.
Other names: c.1466del, p.Arg489fs (NM_000402.4); c.1376del, p.Arg459fs (NM_001042351.3); short protein forms R459fs, R489fs.
Identifiers: ClinVar variation 993677 (VCV000993677.10), dbSNP rs2070346743, ClinGen allele CA1139667907.

ClinVar aggregate classification (germline): Pathogenic. Review status: criteria provided, multiple submitters, no conflicts (2 of 4 stars). 2 submissions from 2 submitters: Pathogenic (2). Last evaluated 2022-08-12.

Conditions:
Anemia, nonspherocytic hemolytic, due to G6PD deficiency (CNSHA1). Also called: Class I glucose-6-phosphate dehydrogenase deficiency; Favism, susceptibility to; ANEMIA, CONGENITAL, NONSPHEROCYTIC HEMOLYTIC, 1; Hemolytic anemia due to G6PD deficiency. Identifiers: Orphanet 466026, MedGen C2720289, MONDO:0010480, OMIM 300908.

Submissions (2):

Dunham Lab, University of Washington
Classification: Pathogenic for Anemia, nonspherocytic hemolytic, due to G6PD deficiency. Last evaluated: 2022-08-12. Review status: criteria provided, single submitter. Criteria: Bayesian ACMG Guidelines, 2018. Collection method: curation. Allele origin: unknown.
Comment: Leads to frameshift that introduces a stop codon at residue 495 (PVS1). Not found in gnomAD (PM2). Reported as pathogenic by ARUP Laboratories (PP5). Post_P 0.997 (odds of pathogenicity 3152, Prior_P 0.1).

ARUP Laboratories, Molecular Genetics and Genomics, ARUP Laboratories
Classification: Pathogenic. Last evaluated: 2020-03-23. Review status: criteria provided, single submitter. Criteria: ARUP Molecular Germline Variant Investigation Process. Collection method: clinical testing. Allele origin: germline.
Comment: The G6PD c.1376delG; p.Arg459fs variant, to our knowledge, is not reported in the medical literature or gene specific databases. This variant is also absent from general population databases (Exome Variant Server, Genome Aggregation Database), indicating it is not a common polymorphism. This variant causes a frameshift by deleting a single nucleotide, so it is predicted to result in a truncated protein or mRNA subject to nonsense-mediated decay. Large insertions/deletions, frameshift, and nonsense variants are not described in males for G6PD, consistent with the notion that a total lack of G6PD activity would be lethal (Vulliamy 1993). Therefore, the c.1376delG; p.Arg459fs variant is considered to be pathogenic. REFERENCES Vulliamy T et al. Variants of glucose-6-phosphate dehydrogenase are due to missense mutations spread throughout the coding region of the gene. Hum Mutat. 1993;2(3):159-67.